The following is an entry in ClinVar:

NM_000156.6(GAMT):c.463C>G (p.His155Asp)

Gene: GAMT (guanidinoacetate N-methyltransferase; minus strand). Cytogenetic location: 19p13.3.
Variant type: single nucleotide variant.
Coding change: c.463C>G on transcript NM_000156.6 (MANE Select); coding-DNA position 463, C replaced by G.
Protein change: p.His155Asp; replaces histidine 155 with aspartic acid.
Molecular consequence: missense variant.
Genome position (GRCh38, 1-based): chr19:1,399,023, G>C on the plus strand (C>G on the coding strand, the complement: GAMT is on the minus strand). VCF-style: chr19-1399023-G-C. GRCh37 (hg19) VCF-style: chr19-1399022-G-C.
Other names: c.463C>G, p.His155Asp (NM_138924.3); short protein forms H155D.
Identifiers: ClinVar variation 1020905 (VCV001020905.8), dbSNP rs1374777721, ClinGen allele CA402994771.

ClinVar aggregate classification (germline): Uncertain significance. Review status: criteria provided, multiple submitters, no conflicts (2 of 4 stars). 3 submissions from 3 submitters: Uncertain significance (2). 1 of the submissions does not count toward it. Last evaluated 2022-07-26.

Conditions:
Cerebral creatine deficiency syndrome. Also called: Creatine deficiency syndromes. Identifiers: Orphanet 79172, MedGen C5244016, MONDO:0000456.
Deficiency of guanidinoacetate methyltransferase (CCDS2). Also called: GAMT DEFICIENCY; CEREBRAL CREATINE DEFICIENCY SYNDROME 2; Guanidinoacetate Methyltransferase (GAMT) Deficiency. Identifiers: Orphanet 382, MedGen C0574080, MONDO:0012999, OMIM 612736.

Allele frequency attached by ClinVar (database versions not stated): gnomAD exomes below 0.00001.
gnomAD v4.1: 2 of 1,613,354 alleles (0.00012%); highest among the groups gnomAD compares: Admixed American, 0.0033%; no homozygotes.

Submissions (3):

Labcorp Genetics (formerly Invitae), Labcorp
Classification: Uncertain significance for Cerebral creatine deficiency syndrome. Last evaluated: 2022-07-26. Review status: criteria provided, single submitter. Criteria: Invitae Variant Classification Sherloc (09022015). Collection method: clinical testing. Allele origin: germline.
Comment: This sequence change replaces histidine, which is basic and polar, with aspartic acid, which is acidic and polar, at codon 155 of the GAMT protein (p.His155Asp). This variant is present in population databases (no rsID available, gnomAD 0.003%). This variant has not been reported in the literature in individuals affected with GAMT-related conditions. ClinVar contains an entry for this variant (Variation ID: 1020905). Algorithms developed to predict the effect of missense changes on protein structure and function are either unavailable or do not agree on the potential impact of this missense change (SIFT: "Deleterious"; PolyPhen-2: "Possibly Damaging"; Align-GVGD: "Class C0"). In summary, the available evidence is currently insufficient to determine the role of this variant in disease. Therefore, it has been classified as a Variant of Uncertain Significance.

Fulgent Genetics
Classification: Uncertain significance for Deficiency of guanidinoacetate methyltransferase. Last evaluated: 2021-09-10. Review status: criteria provided, single submitter. Criteria: ACMG Guidelines, 2015. Collection method: clinical testing. Allele origin: unknown.

Natera, Inc.
Classification: Uncertain significance for Guanidinoacetate methyltransferase deficiency. Last evaluated: 2020-10-26. Review status: no assertion criteria provided. Collection method: clinical testing. Allele origin: germline. Not counted in ClinVar's aggregate classification.